The following is an entry in ClinVar:

ClinVar aggregate classification (germline): Uncertain significance (1 of 4 stars; one submission).

Conditions:
Hereditary cancer-predisposing syndrome. Also called: Hereditary Cancer Syndrome; Hereditary neoplastic syndrome; Tumor predisposition; Neoplastic Syndromes, Hereditary. Identifiers: Orphanet 140162, MedGen C0027672, MeSH D009386, MONDO:0015356.

gnomAD v4.1: 1 of 1,613,986 alleles (0.000062%); highest among the groups gnomAD compares: Non-Finnish European, 0.000085%; no homozygotes.

Submission:

Ambry Genetics
Classification: Uncertain significance for Hereditary cancer-predisposing syndrome. Last evaluated: 2024-12-01. Review status: criteria provided, single submitter. Criteria: Ambry Variant Classification Scheme 2023. Collection method: clinical testing. Allele origin: germline.
Comment: The p.E1407V variant (also known as c.4220A>T), located in coding exon 29 of the ALK gene, results from an A to T substitution at nucleotide position 4220. The glutamic acid at codon 1407 is replaced by valine, an amino acid with dissimilar properties. This amino acid position is conserved. In addition, the in silico prediction for this alteration is inconclusive. Based on the available evidence, the clinical significance of this variant remains unclear.

NM_004304.5(ALK):c.4220A>T (p.Glu1407Val)

Gene: ALK (ALK receptor tyrosine kinase; minus strand). Cytogenetic location: 2p23.2.
Variant type: single nucleotide variant.
Coding change: c.4220A>T on transcript NM_004304.5 (MANE Select); coding-DNA position 4220, A replaced by T.
Protein change: p.Glu1407Val; replaces glutamic acid 1407 with valine.
Molecular consequence: missense variant.
Genome position (GRCh38, 1-based): chr2:29,193,867, T>A on the plus strand (A>T on the coding strand, the complement: ALK is on the minus strand). VCF-style: chr2-29193867-T-A. GRCh37 (hg19) VCF-style: chr2-29416733-T-A.
Other names: c.1016A>T, p.Glu339Val (NM_001353765.2); short protein forms E1407V, E339V.
Identifiers: ClinVar variation 3525341 (VCV003525341.1).